The following is an entry in ClinVar:

NM_001384732.1(CPLANE1):c.223T>C (p.Trp75Arg)

Gene: CPLANE1 (ciliogenesis and planar polarity effector complex subunit 1; minus strand). Cytogenetic location: 5p13.2.
Variant type: single nucleotide variant.
Coding change: c.223T>C on transcript NM_001384732.1 (MANE Select); coding-DNA position 223, T replaced by C.
Protein change: p.Trp75Arg; replaces tryptophan 75 with arginine.
Molecular consequence: missense variant.
Genome position (GRCh38, 1-based): chr5:37,245,593, A>G on the plus strand (T>C on the coding strand, the complement: CPLANE1 is on the minus strand). VCF-style: chr5-37245593-A-G. GRCh37 (hg19) VCF-style: chr5-37245695-A-G.
Other names: c.223T>C, p.Trp75Arg (NM_023073.4); short protein forms W75R.
Identifiers: ClinVar variation 2136057 (VCV002136057.1), dbSNP rs2548953522, ClinGen allele CA359523822.
Genomic context (GRCh38, chr5:37,245,593, plus strand): 5'-AACAATCTTGATCTTTGTTCCAAAGGAAAAGCTCTCCTGTAGTTAGTACCCCAGCCAGCC[A>G]GGCATCTGTTTCCAAAAATGAAATGCAATACTTACAATCTAGTATTTCCTTTAACATCAC-3'
Protein context (NP_001371661.1, residues 65-85): IVLTTSSNDA[Trp75Arg]LAGVLTTGEL

ClinVar aggregate classification (germline): Uncertain significance (1 of 4 stars; one submission).

Allele frequency attached by ClinVar (database versions not stated): gnomAD exomes below 0.00001.
gnomAD v4.1: 1 of 1,511,106 alleles (0.000066%); highest among the groups gnomAD compares: Non-Finnish European, 0.000088%; no homozygotes.

Submission:

GeneDx
Classification: Uncertain significance. Last evaluated: 2022-07-22. Review status: criteria provided, single submitter. Criteria: GeneDx Variant Classification Process June 2021. Collection method: clinical testing. Allele origin: germline. Affected: yes.
Comment: Not observed at significant frequency in large population cohorts (gnomAD); In silico analysis supports that this missense variant has a deleterious effect on protein structure/function; Has not been previously published as pathogenic or benign to our knowledge